The following is an entry in ClinVar:

NM_020822.3(KCNT1):c.2236G>A (p.Val746Met)

Gene: KCNT1 (potassium sodium-activated channel subfamily T member 1; plus strand). Cytogenetic location: 9q34.3.
Variant type: single nucleotide variant.
Coding change: c.2236G>A on transcript NM_020822.3 (MANE Select); coding-DNA position 2236, G replaced by A.
Protein change: p.Val746Met; replaces valine 746 with methionine.
Molecular consequence: missense variant.
Genome position (GRCh38, 1-based): chr9:135,772,942, G>A. VCF-style: chr9-135772942-G-A. GRCh37 (hg19) VCF-style: chr9-138664788-G-A.
Other names: c.2101G>A, p.Val701Met (NM_001272003.2); short protein forms V746M, V701M.
Identifiers: ClinVar variation 386181 (VCV000386181.24), dbSNP rs559344618, ClinGen allele CA5327219.
Genomic context (GRCh38, chr9:135,772,942, plus strand): 5'-GACCTGCTGAGCGACCAGTCGGAGGATGAGGTGACGCCGTCGGACGACGAGGGGCTCTCC[G>A]TGGTAGAGTGAGTGCTGCCTTGGAGACGGCTCCCAGTGGGGGGAGGAGCCGCCCATGAGT-3'
Protein context (NP_065873.2, residues 736-756): VTPSDDEGLS[Val746Met]VEYVKGYPPN

ClinVar aggregate classification (germline): Likely benign. Review status: criteria provided, multiple submitters, no conflicts (2 of 4 stars). 7 submissions from 6 submitters: Likely benign (6). 1 of the submissions does not count toward it. Last evaluated 2026-01-15.

Conditions:
Autosomal dominant nocturnal frontal lobe epilepsy 5. Also called: KCNT1-Related Epilepsy; CILIARY DYSKINESIA, PRIMARY, 28, WITHOUT SITUS INVERSUS; CILIARY DYSKINESIA, PRIMARY, 28, WITH SITUS INVERSUS; Epilepsy, nocturnal frontal lobe, 5. Identifiers: Orphanet 98784, MedGen C3554306, MONDO:0014002, OMIM 615005.
KCNT1-related disorder. Also called: KCNT1-related condition.
Inborn genetic diseases. Identifiers: MedGen C0950123, MeSH D030342.
Developmental and epileptic encephalopathy, 14 (DEE14). Also called: Early infantile epileptic encephalopathy 14. Identifiers: Orphanet 293181, MedGen C3554195, MONDO:0013989, OMIM 614959.

Allele frequency attached by ClinVar (database versions not stated): gnomAD exomes 0.00006 and 0.00022; TOPMed 0.00017; gnomAD 0.00021; ExAC 0.00031; 1000 Genomes Project 0.00040; 1000 Genomes Project 30x 0.00062.
gnomAD v4.1: 105 of 1,488,298 alleles (0.0071%); highest among the groups gnomAD compares: Admixed American, 0.18%; no homozygotes.

Submissions (7):

Labcorp Genetics (formerly Invitae), Labcorp
Classification: Likely benign for Autosomal dominant nocturnal frontal lobe epilepsy 5; Developmental and epileptic encephalopathy, 14. Last evaluated: 2026-01-15. Review status: criteria provided, single submitter. Criteria: Invitae Variant Classification Sherloc (09022015). Collection method: clinical testing. Allele origin: germline.

Ambry Genetics
Classification: Likely benign for Inborn genetic diseases. Last evaluated: 2025-08-24. Review status: criteria provided, single submitter. Criteria: Ambry Variant Classification Scheme 2023. Collection method: clinical testing. Allele origin: germline.

Blueprint Genetics
Classification: Likely benign. Last evaluated: 2024-11-19. Review status: criteria provided, single submitter. Criteria: ACMG Guidelines, 2015. Collection method: clinical testing. Allele origin: germline.

Genome-Nilou Lab
Classification: Likely benign for Developmental and epileptic encephalopathy, 14. Last evaluated: 2022-03-15. Review status: criteria provided, single submitter. Criteria: ACMG Guidelines, 2015. Collection method: clinical testing. Allele origin: germline. Affected: no.

Genome-Nilou Lab
Classification: Likely benign for Autosomal dominant nocturnal frontal lobe epilepsy 5. Last evaluated: 2022-03-15. Review status: criteria provided, single submitter. Criteria: ACMG Guidelines, 2015. Collection method: clinical testing. Allele origin: germline. Affected: no.

GeneDx
Classification: Likely benign. Last evaluated: 2021-06-28. Review status: criteria provided, single submitter. Criteria: GeneDx Variant Classification Process June 2021. Collection method: clinical testing. Allele origin: germline. Affected: yes.

PreventionGenetics, part of Exact Sciences
Classification: Likely benign for KCNT1-related condition. Last evaluated: 2021-07-06. Review status: no assertion criteria provided. Collection method: clinical testing. Allele origin: germline. Not counted in ClinVar's aggregate classification.
Comment: This variant is classified as likely benign based on ACMG/AMP sequence variant interpretation guidelines (Richards et al. 2015 PMID: 25741868, with internal and published modifications).